The following is an entry in ClinVar:

ClinVar aggregate classification (germline): Conflicting classifications of pathogenicity. Review status: criteria provided, conflicting classifications (1 of 4 stars). 3 submissions from 3 submitters: Uncertain significance (2); Likely benign (1). Last evaluated 2024-08-02.

Conditions:
Inborn genetic diseases. Identifiers: MedGen C0950123, MeSH D030342.
GLI3-related disorder. Also called: GLI3-related condition; GLI3-related disorders. Identifiers: MedGen CN239292.
Greig cephalopolysyndactyly syndrome (GCPS). Also called: POLYSYNDACTYLY WITH PECULIAR SKULL SHAPE; GLI3-Related Greig Cephalopolysyndactyly Syndrome; Greig syndrome. Identifiers: Orphanet 380, MedGen C0265306, MONDO:0008287, OMIM 175700.
Pallister-Hall syndrome (PHS). Also called: HYPOTHALAMIC HAMARTOBLASTOMA, HYPOPITUITARISM, IMPERFORATE ANUS, AND POSTAXIAL POLYDACTYLY; GLI3-Related Pallister-Hall Syndrome. Identifiers: Orphanet 672, MedGen C0265220, MONDO:0007804, OMIM 146510.

Allele frequency attached by ClinVar (database versions not stated): gnomAD exomes below 0.00001; gnomAD 0.00001; TOPMed 0.00001.
gnomAD v4.1: 4 of 1,613,784 alleles (0.00025%); highest among the groups gnomAD compares: East Asian, 0.0022%; no homozygotes.

Submissions (3):

Labcorp Genetics (formerly Invitae), Labcorp
Classification: Likely benign for Pallister-Hall syndrome; Greig cephalopolysyndactyly syndrome. Last evaluated: 2024-08-02. Review status: criteria provided, single submitter. Criteria: Invitae Variant Classification Sherloc (09022015). Collection method: clinical testing. Allele origin: germline.

PreventionGenetics, part of Exact Sciences
Classification: Uncertain significance for GLI3-related condition. Last evaluated: 2023-04-13. Review status: criteria provided, single submitter. Criteria: ACMG Guidelines, 2015. Collection method: clinical testing. Allele origin: germline.
Comment: The GLI3 c.4559C>T variant is predicted to result in the amino acid substitution p.Ser1520Leu. To our knowledge, this variant has not been reported in the literature. This variant is reported in 0.064% of alleles in individuals of East Asian descent in gnomAD. At this time, the clinical significance of this variant is uncertain due to the absence of conclusive functional and genetic evidence.

Ambry Genetics
Classification: Uncertain significance for Inborn genetic diseases. Last evaluated: 2021-10-12. Review status: criteria provided, single submitter. Criteria: Ambry Variant Classification Scheme 2023. Collection method: clinical testing. Allele origin: germline.

NM_000168.6(GLI3):c.4559C>T (p.Ser1520Leu)

Gene: GLI3 (GLI family zinc finger 3; minus strand). Cytogenetic location: 7p14.1.
Variant type: single nucleotide variant.
Coding change: c.4559C>T on transcript NM_000168.6 (MANE Select); coding-DNA position 4559, C replaced by T.
Protein change: p.Ser1520Leu; replaces serine 1520 with leucine.
Molecular consequence: missense variant.
Genome position (GRCh38, 1-based): chr7:41,964,514, G>A on the plus strand (C>T on the coding strand, the complement: GLI3 is on the minus strand). VCF-style: chr7-41964514-G-A. GRCh37 (hg19) VCF-style: chr7-42004112-G-A.
Other names: short protein forms S1520L.
Identifiers: ClinVar variation 2254924 (VCV002254924.5), dbSNP rs1404556956, ClinGen allele CA367314757.
Genomic context (GRCh38, chr7:41,964,514, plus strand): 5'-GTGGTGAGGCGGGAGGAGCTATGGGAAAGGTTCTGAATGATACTTGGGCTCAGGGCCCCC[G>A]ACATCAGGCTGGAGTGGTCCCCATCGTCTATGATGGCATCGAAGTCAATCTGTACCCCTT-3'
Protein context (NP_000159.3, residues 1510-1530): IDDGDHSSLM[Ser1520Leu]GALSPSIIQN